The following is an entry in ClinVar:

NM_004973.4(JARID2):c.18C>T (p.Pro6=)

Gene: JARID2 (jumonji and AT-rich interaction domain containing 2; plus strand). Cytogenetic location: 6p22.3.
Variant type: single nucleotide variant.
Coding change: c.18C>T on transcript NM_004973.4 (MANE Select); coding-DNA position 18, C replaced by T.
Protein change: p.Pro6=; no amino-acid change (proline 6 retained).
Molecular consequence: synonymous variant.
Genome position (GRCh38, 1-based): chr6:15,246,557, C>T. VCF-style: chr6-15246557-C-T. GRCh37 (hg19) VCF-style: chr6-15246788-C-T.
Identifiers: ClinVar variation 4535185 (VCV004535185.6).

ClinVar aggregate classification (germline): Likely benign (1 of 4 stars; one submission).

Submission:

CeGaT Center for Human Genetics Tuebingen
Classification: Likely benign. Last evaluated: 2025-11-01. Review status: criteria provided, single submitter. Criteria: CeGaT Center For Human Genetics Tuebingen Variant Classification Criteria Version 2. Collection method: clinical testing. Allele origin: germline. Affected: yes. Observed: 1 variant allele.
Comment: JARID2: PM2:Supporting, BP4, BP7